The following is an entry in ClinVar:

ClinVar aggregate classification (germline): Uncertain significance. Review status: criteria provided, multiple submitters, no conflicts (2 of 4 stars). 3 submissions from 3 submitters: Uncertain significance (3). Last evaluated 2023-11-29.

Conditions:
Cholestanol storage disease (CTX). Also called: CTX: Cerebrotendinous xanthomatosis; CEREBRAL CHOLESTERINOSIS; Cerebrotendinous Xanthomatosis. Identifiers: Orphanet 909, MedGen C0238052, MONDO:0008948, OMIM 213700.
Cardiovascular phenotype. Identifiers: MedGen CN230736.

Allele frequency attached by ClinVar (database versions not stated): gnomAD exomes below 0.00001 and 0.00001; gnomAD 0.00001; TOPMed 0.00001.

Submissions (3):

Ambry Genetics
Classification: Uncertain significance for Cardiovascular phenotype. Last evaluated: 2023-11-29. Review status: criteria provided, single submitter. Criteria: Ambry Variant Classification Scheme 2023. Collection method: clinical testing. Allele origin: germline.
Comment: The p.D38V variant (also known as c.113A>T), located in coding exon 1 of the CYP27A1 gene, results from an A to T substitution at nucleotide position 113. The aspartic acid at codon 38 is replaced by valine, an amino acid with highly dissimilar properties. This amino acid position is conserved. In addition, this alteration is predicted to be tolerated by in silico analysis. Since supporting evidence is limited at this time, the clinical significance of this alteration remains unclear.

GeneDx
Classification: Uncertain significance. Last evaluated: 2023-11-26. Review status: criteria provided, single submitter. Criteria: GeneDx Variant Classification Process June 2021. Collection method: clinical testing. Allele origin: germline. Affected: yes.
Comment: Not observed at significant frequency in large population cohorts (gnomAD); In silico analysis supports that this missense variant does not alter protein structure/function; Has not been previously published as pathogenic or benign to our knowledge

Labcorp Genetics (formerly Invitae), Labcorp
Classification: Uncertain significance for Cholestanol storage disease. Last evaluated: 2022-08-05. Review status: criteria provided, single submitter. Criteria: Invitae Variant Classification Sherloc (09022015). Collection method: clinical testing. Allele origin: germline.
Comment: This sequence change replaces aspartic acid, which is acidic and polar, with valine, which is neutral and non-polar, at codon 38 of the CYP27A1 protein (p.Asp38Val). This variant is present in population databases (no rsID available, gnomAD 0.001%). This variant has not been reported in the literature in individuals affected with CYP27A1-related conditions. ClinVar contains an entry for this variant (Variation ID: 1423025). Advanced modeling of protein sequence and biophysical properties (such as structural, functional, and spatial information, amino acid conservation, physicochemical variation, residue mobility, and thermodynamic stability) performed at Invitae indicates that this missense variant is not expected to disrupt CYP27A1 protein function. In summary, the available evidence is currently insufficient to determine the role of this variant in disease. Therefore, it has been classified as a Variant of Uncertain Significance.

NM_000784.4(CYP27A1):c.113A>T (p.Asp38Val)

Gene: CYP27A1 (cytochrome P450 family 27 subfamily A member 1; plus strand). Cytogenetic location: 2q35.
Variant type: single nucleotide variant.
Coding change: c.113A>T on transcript NM_000784.4 (MANE Select); coding-DNA position 113, A replaced by T.
Protein change: p.Asp38Val; replaces aspartic acid 38 with valine.
Molecular consequence: missense variant.
Genome position (GRCh38, 1-based): chr2:218,782,295, A>T. VCF-style: chr2-218782295-A-T. GRCh37 (hg19) VCF-style: chr2-219647018-A-T.
Other names: c.113A>T (NM_000784.3); short protein forms D38V.
Identifiers: ClinVar variation 1423025 (VCV001423025.5), dbSNP rs1201499588, ClinGen allele CA350576011.